The following is an entry in ClinVar:

ClinVar aggregate classification (germline): Uncertain significance (0 of 4 stars; one submission).

Submission:

Genetic Services Laboratory, University of Chicago
Classification: Uncertain significance. Last evaluated: 2022-12-09. Review status: no assertion criteria provided. Collection method: clinical testing. Allele origin: germline. Affected: no.
Comment: DNA sequence analysis of the CSF3R gene demonstrated a sequence change, c.1870T>A, in exon 15 that results in an amino acid change, p.Ser624Thr. This sequence change does not appear to have been previously described in individuals with CSF3R-related disorders and has also not been described in population databases such as ExAC and gnomAD. The p.Ser624Thr change affects a moderately conserved amino acid residue located in a domain of the CSF3R protein that is known to be functional. The p.Ser624Thr substitution appears to be benign using several in-silico pathogenicity prediction tools (SIFT, PolyPhen2, Align GVGD, REVEL). Due to insufficient evidences and the lack of functional studies, the clinical significance of the p.Ser624Thr change remains unknown at this time.

NM_000760.4(CSF3R):c.1870T>A (p.Ser624Thr)

Gene: CSF3R (colony stimulating factor 3 receptor; minus strand). Cytogenetic location: 1p34.3.
Variant type: single nucleotide variant.
Coding change: c.1870T>A on transcript NM_000760.4 (MANE Select); coding-DNA position 1870, T replaced by A.
Protein change: p.Ser624Thr; replaces serine 624 with threonine.
Molecular consequence: missense variant.
Genome position (GRCh38, 1-based): chr1:36,467,646, A>T on the plus strand (T>A on the coding strand, the complement: CSF3R is on the minus strand). VCF-style: chr1-36467646-A-T. GRCh37 (hg19) VCF-style: chr1-36933247-A-T.
Other names: c.1870T>A, p.Ser624Thr (NM_156039.3, NM_172313.3); short protein forms S624T.
Identifiers: ClinVar variation 2443102 (VCV002443102.2), dbSNP rs2521734077, ClinGen allele CA339417402.